The following is an entry in ClinVar:

ClinVar aggregate classification (germline): Uncertain significance (1 of 4 stars; one submission).

Submission:

Women's Health and Genetics/Laboratory Corporation of America, LabCorp
Classification: Uncertain significance. Last evaluated: 2025-07-22. Review status: criteria provided, single submitter. Criteria: LabCorp Variant Classification Summary - May 2015. Collection method: clinical testing. Allele origin: germline.
Comment: Variant summary: C3 c.1838A>C (p.Gln613Pro) results in a non-conservative amino acid change in the encoded protein sequence. Algorithms developed to predict the effect of missense changes on protein structure and function are either unavailable or do not agree on the potential impact of this missense change. The variant was absent in 251408 control chromosomes. The available data on variant occurrences in the general population are insufficient to allow any conclusion about variant significance. To our knowledge, no occurrence of c.1838A>C in individuals affected with &phenotype& and no experimental evidence demonstrating its impact on protein function have been reported. No submitters have cited clinical-significance assessments for this variant to ClinVar. Based on the evidence outlined above, the variant was classified as uncertain significance.

NM_000064.4(C3):c.1838A>C (p.Gln613Pro)

Gene: C3 (complement C3; minus strand). Cytogenetic location: 19p13.3.
Variant type: single nucleotide variant.
Coding change: c.1838A>C on transcript NM_000064.4 (MANE Select); coding-DNA position 1838, A replaced by C.
Protein change: p.Gln613Pro; replaces glutamine 613 with proline.
Molecular consequence: missense variant.
Genome position (GRCh38, 1-based): chr19:6,709,691, T>G on the plus strand (A>C on the coding strand, the complement: C3 is on the minus strand). VCF-style: chr19-6709691-T-G. GRCh37 (hg19) VCF-style: chr19-6709702-T-G.
Other names: short protein forms Q613P.
Identifiers: ClinVar variation 4525702 (VCV004525702.1).